The following is an entry in ClinVar:

NM_000384.3(APOB):c.2863C>G (p.Pro955Ala)

Gene: APOB (apolipoprotein B; minus strand). Cytogenetic location: 2p24.1.
Variant type: single nucleotide variant.
Coding change: c.2863C>G on transcript NM_000384.3 (MANE Select); coding-DNA position 2863, C replaced by G.
Protein change: p.Pro955Ala; replaces proline 955 with alanine.
Molecular consequence: missense variant.
Genome position (GRCh38, 1-based): chr2:21,019,859, G>C on the plus strand (C>G on the coding strand, the complement: APOB is on the minus strand). VCF-style: chr2-21019859-G-C. GRCh37 (hg19) VCF-style: chr2-21242731-G-C.
Other names: short protein forms P955A.
Identifiers: ClinVar variation 926080 (VCV000926080.9), dbSNP rs13306206, ClinGen allele CA346010362.
Genomic context (GRCh38, chr2:21,019,859, plus strand): 5'-AATTCAGGCCAGGAAAGACTTGCTTGCAAACTGACCAGGACTGCCTGTTCTCAATGAGAG[G>C]TGGGATCACCTCCGTTTTGGTGGTAGAGACCAAATGTAATGTGTTGCTGGTGAAGAACAA-3'
Protein context (NP_000375.3, residues 945-965): VSTTKTEVIP[Pro955Ala]LIENRQSWSV

ClinVar aggregate classification (germline): Uncertain significance (1 of 4 stars; one submission).

Conditions:
Familial hypobetalipoproteinemia 1. Also called: Hypobetalipoproteinemia, normotriglyceridemic; Acanthocytosis with hypobetalipoproteinemia; APOB-Related Familial Hypobetalipoproteinemia. Identifiers: MedGen C4551990, MONDO:0014252, OMIM 615558.
Hypercholesterolemia, autosomal dominant, type B (FHCL2). Also called: Familial Hypercholesterolemia Type B; HYPERCHOLESTEROLEMIA, FAMILIAL, DUE TO LIGAND-DEFECTIVE APOLIPOPROTEIN B; Familial hypercholesterolemia 2; APOB-Related Familial Hypercholesterolemia, Autosomal Dominant; APOLIPOPROTEIN B-100, FAMILIAL DEFECTIVE; APOLIPOPROTEIN B-100, FAMILIAL LIGAND-DEFECTIVE. Identifiers: MedGen C1704417, MONDO:0007751, OMIM 144010.

Allele frequency attached by ClinVar (database versions not stated): TOPMed 0.00002.
gnomAD v4.1: 5 of 1,614,188 alleles (0.00031%); highest among the groups gnomAD compares: African/African-American, 0.0067%; no homozygotes.

Submission:

Labcorp Genetics (formerly Invitae), Labcorp
Classification: Uncertain significance for Familial hypobetalipoproteinemia 1; Hypercholesterolemia, autosomal dominant, type B. Last evaluated: 2025-09-15. Review status: criteria provided, single submitter. Criteria: Invitae Variant Classification Sherloc (09022015). Collection method: clinical testing. Allele origin: germline.
Comment: This sequence change replaces proline, which is neutral and non-polar, with alanine, which is neutral and non-polar, at codon 955 of the APOB protein (p.Pro955Ala). This variant is not present in population databases (gnomAD no frequency). This variant has not been reported in the literature in individuals affected with APOB-related conditions. ClinVar contains an entry for this variant (Variation ID: 926080). Invitae Evidence Modeling of protein sequence and biophysical properties (such as structural, functional, and spatial information, amino acid conservation, physicochemical variation, residue mobility, and thermodynamic stability) indicates that this missense variant is not expected to disrupt APOB protein function with a negative predictive value of 95%. In summary, the available evidence is currently insufficient to determine the role of this variant in disease. Therefore, it has been classified as a Variant of Uncertain Significance.